The following is an entry in ClinVar:

NM_003742.4(ABCB11):c.2494C>T (p.Arg832Cys)

Gene: ABCB11 (ATP binding cassette subfamily B member 11; minus strand). Cytogenetic location: 2q31.1.
Variant type: single nucleotide variant.
Coding change: c.2494C>T on transcript NM_003742.4 (MANE Select); coding-DNA position 2494, C replaced by T.
Protein change: p.Arg832Cys; replaces arginine 832 with cysteine.
Molecular consequence: missense variant.
Genome position (GRCh38, 1-based): chr2:168,944,721, G>A on the plus strand (C>T on the coding strand, the complement: ABCB11 is on the minus strand). VCF-style: chr2-168944721-G-A. GRCh37 (hg19) VCF-style: chr2-169801231-G-A.
Other names: c.2494C>T, p.Arg832Cys (LRG_1199t1); short protein forms R832C.
Identifiers: ClinVar variation 501603 (VCV000501603.25), dbSNP rs772294884, ClinGen allele CA1951262.

ClinVar aggregate classification (germline): Pathogenic/Likely pathogenic. Review status: criteria provided, multiple submitters, no conflicts (2 of 4 stars). 13 submissions from 12 submitters: Pathogenic (10); Likely pathogenic (3). Last evaluated 2026-04-14.

Conditions:
Progressive familial intrahepatic cholestasis (PFIC). Also called: Progressive family intrahepatic cholestasis; Progressive intrahepatic cholestasis. Identifiers: Orphanet 172, MedGen C0268312, MONDO:0015762.
Progressive familial intrahepatic cholestasis type 3. Also called: Low Gamma-GT Familial Intrahepatic Cholestasis; MDR3 DEFICIENCY. Identifiers: Orphanet 79305, MedGen C1865643, MONDO:0011214, OMIM 602347.
Progressive familial intrahepatic cholestasis type 2. Identifiers: Orphanet 79304, MedGen C3489789, MONDO:0011156, OMIM 601847.
Benign recurrent intrahepatic cholestasis type 2 (BRIC2). Also called: Recurrent familial intrahepatic cholestasis 2. Identifiers: Orphanet 65682, Orphanet 99961, MedGen C2608083, MONDO:0011559, OMIM 605479.
Familial intrahepatic cholestasis. Identifiers: Orphanet 284385, MedGen CN296401, MONDO:0017290.

Allele frequency attached by ClinVar (database versions not stated): gnomAD exomes below 0.00001 and 0.00001; TOPMed below 0.00001; ExAC 0.00001; gnomAD 0.00001.
gnomAD v4.1: 9 of 1,612,638 alleles (0.00056%); highest among the groups gnomAD compares: East Asian, 0.0022%; no homozygotes.

Submissions (13):

Genomenon, Inc
Classification: Pathogenic for Familial intrahepatic cholestasis. Last evaluated: 2026-04-14. Review status: criteria provided, single submitter. Criteria: Genomenon Sequence Variant Interpretation Standards - Updated. Collection method: curation. Allele origin: germline. Affected: yes.
Comment: ABCB11 p.Arg832Cys (c.2494C>T) is a missense variant that changes the amino acid at residue 832 from Arginine to Cysteine. This variant has been observed in at least one proband with an ABCB11-related disorder (PMID:35780807;33915153;32087350;31556557;28733223;22364601;18395098;27114171;26678486). The variant was found to segregate with disease in at least one affected family (PMID:33915153). It has been observed in trans with a pathogenic or likely pathogenic variant (PMID:27114171). Splicing studies have been reported (PMID:19101985). It is absent or not present at a significant frequency in gnomAD. In silico models predict that this variant is possibly or probably damaging. In conclusion, we classify ABCB11 p.Arg832Cys (c.2494C>T) as a pathogenic variant.

Labcorp Genetics (formerly Invitae), Labcorp
Classification: Pathogenic. Last evaluated: 2025-08-21. Review status: criteria provided, single submitter. Criteria: Invitae Variant Classification Sherloc (09022015). Collection method: clinical testing. Allele origin: germline.
Comment: This sequence change replaces arginine, which is basic and polar, with cysteine, which is neutral and slightly polar, at codon 832 of the ABCB11 protein (p.Arg832Cys). This variant is present in population databases (rs772294884, gnomAD 0.002%). This missense change has been observed in individuals with progressive familial intrahepatic cholestasis and benign recurrent intrahepatic cholestasis (PMID: 16641580, 18395098, 27114171, 28733223). ClinVar contains an entry for this variant (Variation ID: 501603). Invitae Evidence Modeling of protein sequence and biophysical properties (such as structural, functional, and spatial information, amino acid conservation, physicochemical variation, residue mobility, and thermodynamic stability) indicates that this missense variant is expected to disrupt ABCB11 protein function with a positive predictive value of 95%. Algorithms developed to predict the effect of sequence changes on RNA splicing suggest that this variant may disrupt the consensus splice site. For these reasons, this variant has been classified as Pathogenic.

Immunogenetics and Transplant Biology Service, University Hospital "Città della Salute e della Scienza di Torino"
Classification: Pathogenic for Benign recurrent intrahepatic cholestasis type 2; Progressive familial intrahepatic cholestasis type 2. Last evaluated: 2025-06-28. Review status: criteria provided, single submitter. Criteria: ACMG Guidelines, 2015. Collection method: clinical testing. Allele origin: germline. Affected: yes.

Natera, Inc.
Classification: Pathogenic for Progressive familial intrahepatic cholestasis type 2. Last evaluated: 2024-12-26. Review status: criteria provided, single submitter. Criteria: Natera Variant Classification Schema (03/2026). Collection method: clinical testing. Allele origin: germline.
Comment: The c.2494C>T variant in ABCB11 is a missense variant predicted to cause substitution of arginine to cysteine at amino acid 832. This variant is rare in the general population with a frequency below the threshold expected for the associated phenotype(s). This variant has been observed in one or more individuals affected with the associated recessive disease, as either homozygous or compound heterozygous with a second variant (PMID: 18395098, 33915153). Given the available evidence, this variant is classified as Pathogenic.

Genomic Medicine Center of Excellence, King Faisal Specialist Hospital and Research Centre
Classification: Pathogenic for Progressive familial intrahepatic cholestasis type 2. Last evaluated: 2024-03-26. Review status: criteria provided, single submitter. Criteria: ACMG Guidelines, 2015. Collection method: clinical testing. Allele origin: germline.

GeneDx
Classification: Pathogenic. Last evaluated: 2023-10-05. Review status: criteria provided, single submitter. Criteria: GeneDx Variant Classification Process June 2021. Collection method: clinical testing. Allele origin: germline. Affected: yes.
Comment: Not observed at significant frequency in large population cohorts (gnomAD); In silico analysis supports that this missense variant has a deleterious effect on protein structure/function; In silico analysis is inconclusive as to whether the variant alters gene splicing. In the absence of RNA/functional studies, the actual effect of this sequence change is unknown.; This variant is associated with the following publications: (PMID: 19133130, 19101985, 16641580, 28733223, 18395098, 22364601, 25847799, 31400129, 27114171, 33915153)

Baylor Genetics
Classification: Pathogenic for Benign recurrent intrahepatic cholestasis type 2. Last evaluated: 2023-05-31. Review status: criteria provided, single submitter. Criteria: ACMG Guidelines, 2015. Collection method: clinical testing. Allele origin: unknown.

Women's Health and Genetics/Laboratory Corporation of America, LabCorp
Classification: Pathogenic for Progressive familial intrahepatic cholestasis. Last evaluated: 2022-12-26. Review status: criteria provided, single submitter. Criteria: LabCorp Variant Classification Summary - May 2015. Collection method: clinical testing. Allele origin: germline.
Comment: Variant summary: ABCB11 c.2494C>T (p.Arg832Cys) results in a non-conservative amino acid change located in the ABC transporter type 1, transmembrane domain (IPR011527) of the encoded protein sequence. Five of five in-silico tools predict a damaging effect of the variant on protein function. The variant allele was found at a frequency of 4e-06 in 248548 control chromosomes. c.2494C>T has been reported in the literature as biallelic homozygous or compound heterozygous and even one case involving paternal isodisomy of chromosome 2 in individuals affected with features of Familial Intrahepatic Cholestasis (example, PMID: 33915153, 19101985, 22364601, 18395098). These data indicate that the variant is very likely to be associated with disease. To our knowledge, no experimental evidence demonstrating an impact on protein function has been reported. Four clinical diagnostic laboratories have submitted clinical-significance assessments for this variant to ClinVar after 2014 without evidence for independent evaluation. All laboratories classified the variant as pathogenic/likely pathogenic. Based on the evidence outlined above, the variant was classified as pathogenic.

Baylor Genetics
Classification: Pathogenic for Progressive familial intrahepatic cholestasis type 2. Last evaluated: 2020-06-03. Review status: criteria provided, single submitter. Criteria: ACMG Guidelines, 2015. Collection method: clinical testing. Allele origin: unknown. Affected: yes.
Comment: This variant was determined to be pathogenic according to ACMG Guidelines, 2015 [PMID:25741868].

Revvity Omics, Revvity
Classification: Likely pathogenic. Last evaluated: 2020-03-23. Review status: criteria provided, single submitter. Criteria: ACMG Guidelines, 2015. Collection method: clinical testing. Allele origin: germline.

Eurofins Ntd Llc (ga)
Classification: Likely pathogenic. Last evaluated: 2017-04-27. Review status: criteria provided, single submitter. Criteria: EGL Classification Definitions 2015. Collection method: clinical testing. Allele origin: germline. Observed: 1 variant allele, 1 heterozygote.

Neuberg Centre For Genomic Medicine, NCGM
Classification: Likely pathogenic for Benign recurrent intrahepatic cholestasis type 2. Review status: criteria provided, single submitter. Criteria: ACMG Guidelines, 2015. Collection method: clinical testing. Allele origin: germline. Inheritance: Autosomal recessive inheritance. Affected: yes.
Comment: The missense c.2494C>T (p.Arg832Cys) variant in ABCB11 has been reported in homozygous state in individuals affected with intrahepatic cholestasis (Isabella Giovannoni et al.,2012) . Experimental studies have shown that this missense had only a mild effect on mRNA (Byrne JA et al,2009). This variant is reported with the allele frequency 0.0007% in the gnomad and novel in 1000 genome database. This variant has been reported to the ClinVar database as Pathogenic/Likely_pathogenic. The amino acid Arg at position 832 is changed to a Cys changing protein sequence and it might alter its composition and physico-chemical properties. The variant is predicted to be damaging by both SIFT and PolyPhen2. The residue is conserved across species. The amino acid change p.Arg832Cys in ABCB11 is predicted as conserved by GERP++ and PhyloP across 100 vertebrates. For these reasons, this variant has been classified as Likely Pathogenic.

Pathology and Clinical Laboratory Medicine, King Fahad Medical City
Classification: Pathogenic for Progressive familial intrahepatic cholestasis type 3. Review status: criteria provided, single submitter. Criteria: ACMG Guidelines, 2015. Collection method: clinical testing. Allele origin: germline. Affected: yes. Observed: 2 variant alleles.

Literature cited by the submitters: PubMed 35780807 (cited by Genomenon, Inc); PubMed 33915153 (cited by 3 submitters); PubMed 32087350 (cited by Genomenon, Inc); PubMed 31556557 (cited by Genomenon, Inc); PubMed 28733223 (cited by Genomenon, Inc and Labcorp Genetics (formerly Invitae), Labcorp); PubMed 22364601 (cited by 3 submitters); PubMed 18395098 (cited by 5 submitters); PubMed 27114171 (cited by 3 submitters); PubMed 26678486 (cited by Genomenon, Inc); PubMed 19101985 (cited by Genomenon, Inc and Women's Health and Genetics/Laboratory Corporation of America, LabCorp); PubMed 16641580 (cited by Labcorp Genetics (formerly Invitae), Labcorp and Eurofins Ntd Llc (ga)).